The following is an entry in ClinVar:

ClinVar aggregate classification (germline): Uncertain significance (1 of 4 stars; one submission).

Conditions:
Aortic valve disease 2 (AOVD2). Identifiers: MedGen C3542024, MONDO:0013902, OMIM 614823.

Submission:

Labcorp Genetics (formerly Invitae), Labcorp
Classification: Uncertain significance for Aortic valve disease 2. Last evaluated: 2023-03-14. Review status: criteria provided, single submitter. Criteria: Invitae Variant Classification Sherloc (09022015). Collection method: clinical testing. Allele origin: germline.
Comment: This variant has not been reported in the literature in individuals affected with SMAD6-related conditions. This variant is not present in population databases (gnomAD no frequency). This sequence change results in a frameshift in the SMAD6 gene (p.Glu442Serfs*97). While this is not anticipated to result in nonsense mediated decay, it is expected to disrupt the last 55 amino acid(s) of the SMAD6 protein and extend the protein by 41 additional amino acid residues. In summary, the available evidence is currently insufficient to determine the role of this variant in disease. Therefore, it has been classified as a Variant of Uncertain Significance.

NM_005585.5(SMAD6):c.1324del (p.Glu442fs)

Gene: SMAD6 (SMAD family member 6; plus strand). Cytogenetic location: 15q22.31.
Variant type: Deletion.
Coding change: c.1324del on transcript NM_005585.5 (MANE Select); coding-DNA position 1324, one base deleted (G; older notation c.1324delG).
Protein change: p.Glu442fs; shifts the reading frame from glutamic acid 442.
Molecular consequence: frameshift variant. On other transcripts: non-coding transcript variant (1).
Genome position (GRCh38, 1-based): chr15:66,781,368, G deleted. VCF-style (leftmost placement, unchanged base first): chr15-66781367-CG-C. GRCh37 (hg19) VCF-style: chr15-67073705-CG-C.
Other names: short protein forms E442fs.
Identifiers: ClinVar variation 2782280 (VCV002782280.3), dbSNP rs2541899023, ClinGen allele CA2739269518.